The following is an entry in ClinVar:

ClinVar aggregate classification (germline): Uncertain significance (1 of 4 stars; one submission).

gnomAD v4.1: 1 of 1,611,056 alleles (0.000062%); no homozygotes.

Submission:

Dasa
Classification: Uncertain significance. Last evaluated: 2026-04-27. Review status: criteria provided, single submitter. Criteria: DASA Assertion Criteria. Collection method: clinical testing. Allele origin: germline.
Comment: NM_020988.3(GNAO1):c.602A>G (p.Asp201Gly) is a missense variant that results in the substitution of aspartic acid with glycine. The affected residue or protein region has prior evidence supporting clinical relevance. This variant is rare in population databases. Computational prediction algorithms are consistent with a deleterious effect. The currently available literature and clinical evidence are not sufficient to establish a definitive association between this variant and the reported condition. Therefore, this variant is classified as a variant of uncertain significance.

NM_020988.3(GNAO1):c.602A>G (p.Asp201Gly)

Gene: GNAO1 (G protein subunit alpha o1; plus strand). Cytogenetic location: 16q13.
Variant type: single nucleotide variant.
Coding change: c.602A>G on transcript NM_020988.3 (MANE Select); coding-DNA position 602, A replaced by G.
Protein change: p.Asp201Gly; replaces aspartic acid 201 with glycine.
Molecular consequence: missense variant.
Genome position (GRCh38, 1-based): chr16:56,336,739, A>G. VCF-style: chr16-56336739-A-G. GRCh37 (hg19) VCF-style: chr16-56370651-A-G.
Other names: c.602A>G, p.Asp201Gly (NM_138736.3); short protein forms D201G.
Identifiers: ClinVar variation 4885954 (VCV004885954.2).
Genomic context (GRCh38, chr16:56,336,739, plus strand): 5'-GCAGCCCTCACCTGCCTGGACCCTGCGCCTACCAGCTCCCTGCCTCCTACAGGCTGTTTG[A>G]CGTCGGAGGCCAGCGATCTGAACGCAAGAAGTGGATCCATTGCTTCGAGGACGTCACGGC-3'
Protein context (NP_066268.1, residues 191-211): TFKNLHFRLF[Asp201Gly]VGGQRSERKK